The following is an entry in ClinVar:

NM_001242957.3(MAK):c.1880G>A (p.Arg627His)

Gene: MAK (male germ cell associated kinase; minus strand). Cytogenetic location: 6p24.2.
Variant type: single nucleotide variant.
Coding change: c.1880G>A on transcript NM_001242957.3 (MANE Select); coding-DNA position 1880, G replaced by A.
Protein change: p.Arg627His; replaces arginine 627 with histidine.
Molecular consequence: missense variant. On other transcripts: non-coding transcript variant (2).
Genome position (GRCh38, 1-based): chr6:10,764,519, C>T on the plus strand (G>A on the coding strand, the complement: MAK is on the minus strand). VCF-style: chr6-10764519-C-T. GRCh37 (hg19) VCF-style: chr6-10764752-C-T.
Other names: c.1685G>A, p.Arg562His (NM_001242385.2); c.1583G>A, p.Arg528His (NM_001377262.1); c.1805G>A, p.Arg602His (NM_005906.6); short protein forms R528H, R562H, R627H, R602H.
Identifiers: ClinVar variation 1510297 (VCV001510297.3), dbSNP rs777002916, ClinGen allele CA3633315.

ClinVar aggregate classification (germline): Uncertain significance (1 of 4 stars; one submission).

Allele frequency attached by ClinVar (database versions not stated): gnomAD exomes 0.00001.
gnomAD v4.1: 19 of 1,614,008 alleles (0.0012%); highest among the groups gnomAD compares: East Asian, 0.0022%; no homozygotes.

Submission:

Labcorp Genetics (formerly Invitae), Labcorp
Classification: Uncertain significance. Last evaluated: 2022-08-09. Review status: criteria provided, single submitter. Criteria: Invitae Variant Classification Sherloc (09022015). Collection method: clinical testing. Allele origin: germline.
Comment: This sequence change replaces arginine, which is basic and polar, with histidine, which is basic and polar, at codon 627 of the MAK protein (p.Arg627His). This variant is present in population databases (rs777002916, gnomAD 0.003%). This variant has not been reported in the literature in individuals affected with MAK-related conditions. ClinVar contains an entry for this variant (Variation ID: 1510297). Advanced modeling of protein sequence and biophysical properties (such as structural, functional, and spatial information, amino acid conservation, physicochemical variation, residue mobility, and thermodynamic stability) performed at Invitae indicates that this missense variant is not expected to disrupt MAK protein function. In summary, the available evidence is currently insufficient to determine the role of this variant in disease. Therefore, it has been classified as a Variant of Uncertain Significance.